The following is an entry in ClinVar:

NM_000095.3(COMP):c.1488C>A (p.Asp496Glu)

Gene: COMP (cartilage oligomeric matrix protein; minus strand). Cytogenetic location: 19p13.11.
Variant type: single nucleotide variant.
Coding change: c.1488C>A on transcript NM_000095.3 (MANE Select); coding-DNA position 1488, C replaced by A.
Protein change: p.Asp496Glu; replaces aspartic acid 496 with glutamic acid.
Molecular consequence: missense variant.
Genome position (GRCh38, 1-based): chr19:18,785,966, G>T on the plus strand (C>A on the coding strand, the complement: COMP is on the minus strand). VCF-style: chr19-18785966-G-T. GRCh37 (hg19) VCF-style: chr19-18896776-G-T.
Other names: short protein forms D496E.
Identifiers: ClinVar variation 597740 (VCV000597740.16), dbSNP rs143714206, ClinGen allele CA9316405.

ClinVar aggregate classification (germline): Conflicting classifications of pathogenicity. Review status: criteria provided, conflicting classifications (1 of 4 stars). 4 submissions from 4 submitters: Uncertain significance (1); Benign (1); Likely benign (1). 1 of the submissions does not count toward it. Last evaluated 2026-02-02.

Conditions:
COMP-related disorder. Also called: COMP-related condition; COMP-related disorders.

Allele frequency attached by ClinVar (database versions not stated): ESP Exome Variant Server 0.00069; gnomAD exomes 0.00017; 1000 Genomes Project 30x 0.00047; ExAC 0.00034; 1000 Genomes Project 0.00060; gnomAD 0.00073 and 0.00081; TOPMed 0.00080.
gnomAD v4.1: 241 of 1,606,838 alleles (0.015%); highest among the groups gnomAD compares: African/African-American, 0.27%; 1 homozygote.

Submissions (4):

GeneDx
Classification: Uncertain significance. Last evaluated: 2026-02-02. Review status: criteria provided, single submitter. Criteria: GeneDx Variant Classification Process June 2021. Collection method: clinical testing. Allele origin: germline.
Comment: In silico analysis supports that this missense variant has a deleterious effect on protein structure/function; Has not been previously published as pathogenic or benign to our knowledge

Labcorp Genetics (formerly Invitae), Labcorp
Classification: Benign. Last evaluated: 2026-01-02. Review status: criteria provided, single submitter. Criteria: Invitae Variant Classification Sherloc (09022015). Collection method: clinical testing. Allele origin: germline.

Eurofins Ntd Llc (ga)
Classification: Likely benign. Last evaluated: 2018-07-04. Review status: criteria provided, single submitter. Criteria: EGL ClinVar v180209 classification definitions. Collection method: clinical testing. Allele origin: germline. Observed: 1 variant allele, 1 heterozygote.

PreventionGenetics, part of Exact Sciences
Classification: Likely benign for COMP-related condition. Last evaluated: 2020-05-14. Review status: no assertion criteria provided. Collection method: clinical testing. Allele origin: germline. Not counted in ClinVar's aggregate classification.
Comment: This variant is classified as likely benign based on ACMG/AMP sequence variant interpretation guidelines (Richards et al. 2015 PMID: 25741868, with internal and published modifications).